The following is an entry in ClinVar:

ClinVar aggregate classification (germline): Uncertain significance. Review status: criteria provided, multiple submitters, no conflicts (2 of 4 stars). 2 submissions from 2 submitters: Uncertain significance (2). Last evaluated 2025-09-03.

Conditions:
Inborn genetic diseases. Identifiers: MedGen C0950123, MeSH D030342.

Allele frequency attached by ClinVar (database versions not stated): TOPMed below 0.00001; gnomAD 0.00001; ExAC 0.00002; gnomAD exomes 0.00003; ESP Exome Variant Server 0.00008.
gnomAD v4.1: 41 of 1,609,294 alleles (0.0025%); highest among the groups gnomAD compares: Non-Finnish European, 0.0033%; no homozygotes.

Submissions (2):

Labcorp Genetics (formerly Invitae), Labcorp
Classification: Uncertain significance. Last evaluated: 2025-09-03. Review status: criteria provided, single submitter. Criteria: Invitae Variant Classification Sherloc (09022015). Collection method: clinical testing. Allele origin: germline.
Comment: This sequence change replaces glutamine, which is neutral and polar, with arginine, which is basic and polar, at codon 424 of the INTU protein (p.Gln424Arg). This variant is present in population databases (rs376536294, gnomAD 0.007%). This variant has not been reported in the literature in individuals affected with INTU-related conditions. ClinVar contains an entry for this variant (Variation ID: 2204504). Invitae Evidence Modeling of protein sequence and biophysical properties (such as structural, functional, and spatial information, amino acid conservation, physicochemical variation, residue mobility, and thermodynamic stability) indicates that this missense variant is not expected to disrupt INTU protein function with a negative predictive value of 80%. In summary, the available evidence is currently insufficient to determine the role of this variant in disease. Therefore, it has been classified as a Variant of Uncertain Significance.

Ambry Genetics
Classification: Uncertain significance for Inborn genetic diseases. Last evaluated: 2022-04-22. Review status: criteria provided, single submitter. Criteria: Ambry Variant Classification Scheme 2023. Collection method: clinical testing. Allele origin: germline.

NM_015693.4(INTU):c.1271A>G (p.Gln424Arg)

Genes: INTU (inturned planar cell polarity protein; plus strand), LOC126807151 (CDK7 strongly-dependent group 2 enhancer GRCh37_chr4:128607842-128609041; plus strand). Cytogenetic location: 4q28.1.
Variant type: single nucleotide variant.
Coding change: c.1271A>G on transcript NM_015693.4 (MANE Select); coding-DNA position 1271, A replaced by G.
Protein change: p.Gln424Arg; replaces glutamine 424 with arginine.
Molecular consequence: missense variant.
Genome position (GRCh38, 1-based): chr4:127,687,689, A>G. VCF-style: chr4-127687689-A-G. GRCh37 (hg19) VCF-style: chr4-128608844-A-G.
Other names: short protein forms Q424R.
Identifiers: ClinVar variation 2204504 (VCV002204504.3), dbSNP rs376536294, ClinGen allele CA3075024.